The following is an entry in ClinVar:

ClinVar aggregate classification (germline): Likely benign. Review status: criteria provided, single submitter (1 of 4 stars). 2 submissions from 2 submitters: Likely benign (1). 1 of the submissions does not count toward it. Last evaluated 2025-10-01.

Conditions:
KIF4A-related disorder. Also called: KIF4A-related condition.

Allele frequency attached by ClinVar (database versions not stated): ExAC 0.00017; gnomAD 0.00034; 1000 Genomes Project 30x 0.00042; TOPMed 0.00048; 1000 Genomes Project 0.00053.
gnomAD v4.1: 220 of 1,208,463 alleles (0.018%); highest among the groups gnomAD compares: Admixed American, 0.15%; no homozygotes.

Submissions (2):

CeGaT Center for Human Genetics Tuebingen
Classification: Likely benign. Last evaluated: 2025-10-01. Review status: criteria provided, single submitter. Criteria: CeGaT Center For Human Genetics Tuebingen Variant Classification Criteria Version 2. Collection method: clinical testing. Allele origin: germline. Affected: yes. Observed: 1 variant allele.
Comment: KIF4A: BP4, BS2

PreventionGenetics, part of Exact Sciences
Classification: Likely benign for KIF4A-related condition. Last evaluated: 2022-11-17. Review status: no assertion criteria provided. Collection method: clinical testing. Allele origin: germline. Not counted in ClinVar's aggregate classification.
Comment: This variant is classified as likely benign based on ACMG/AMP sequence variant interpretation guidelines (Richards et al. 2015 PMID: 25741868, with internal and published modifications).

NM_012310.5(KIF4A):c.3340C>G (p.Pro1114Ala)

Gene: KIF4A (kinesin family member 4A; plus strand). Cytogenetic location: Xq13.1.
Variant type: single nucleotide variant.
Coding change: c.3340C>G on transcript NM_012310.5 (MANE Select); coding-DNA position 3340, C replaced by G.
Protein change: p.Pro1114Ala; replaces proline 1114 with alanine.
Molecular consequence: missense variant.
Genome position (GRCh38, 1-based): chrX:70,417,972, C>G. VCF-style: chrX-70417972-C-G. GRCh37 (hg19) VCF-style: chrX-69637822-C-G.
Other names: short protein forms P1114A.
Identifiers: ClinVar variation 3044530 (VCV003044530.8), dbSNP rs192686009, ClinGen allele CA10441472.
Genomic context (GRCh38, chrX:70,417,972, plus strand): 5'-AACAAGCAGTGTGGGTGCAGGAAGCAAAAGTCAGACTGTGGTGTGGACTGTTGCTGTGAC[C>G]CCACAAAGTGTCGGAACCGCCAGCAAGGCAAGGTAGGATCAGGGCTGTTTCCTCTCCCCT-3'
Protein context (NP_036442.3, residues 1104-1124): SDCGVDCCCD[Pro1114Ala]TKCRNRQQGK